The following is an entry in ClinVar:

ClinVar aggregate classification (germline): Pathogenic (1 of 4 stars; one submission).

Conditions:
Familial cancer of breast. Also called: BREAST CANCER, FAMILIAL; Hereditary breast cancer; hereditary breast carcinoma. Identifiers: Orphanet 227535, MedGen C0346153, MONDO:0016419, OMIM 114480. Disease mechanism: loss of function.

Submission:

Myriad Genetics, Inc.
Classification: Pathogenic for Familial cancer of breast. Last evaluated: 2024-01-22. Review status: criteria provided, single submitter. Criteria: Myriad Autosomal Dominant, Autosomal Recessive and X-Linked Classification Criteria (2023). Collection method: clinical testing. Allele origin: unknown.
Comment: This variant is considered pathogenic. This variant creates a frameshift predicted to result in premature protein truncation.

NM_000051.4(ATM):c.3517_3518del (p.Leu1173fs)

Gene: ATM (ATM serine/threonine kinase; plus strand). Cytogenetic location: 11q22.3.
Variant type: Deletion.
Coding change: c.3517_3518del on transcript NM_000051.4 (MANE Select); coding-DNA positions 3517 to 3518, 2 bases deleted (TT; older notation c.3517_3518delTT).
Protein change: p.Leu1173fs; shifts the reading frame from leucine 1173.
Molecular consequence: frameshift variant.
Genome position (GRCh38, 1-based): chr11:108,281,109-108,281,110, TT deleted; deleting any 2 consecutive bases within chr11:108,281,108-108,281,110 gives the same sequence; the c. name uses the placement nearest the transcript's 3' end. VCF-style (leftmost placement, unchanged base first): chr11-108281107-CTT-C. GRCh37 (hg19) VCF-style: chr11-108151834-CTT-C.
Other names: c.3517_3518del, p.Leu1173fs (NM_001351834.2); short protein forms L1173fs.
Identifiers: ClinVar variation 3148401 (VCV003148401.1), dbSNP rs1591636817, ClinGen allele CA2825001833.